The following is an entry in ClinVar:

ClinVar aggregate classification (germline): Uncertain significance (1 of 4 stars; one submission).

Conditions:
Bartter disease type 5. Also called: Bartter syndrome, type 5, antenatal, transient. Identifiers: Orphanet 112, Orphanet 570371, MedGen C4310820, MONDO:0010503, OMIM 300971.

Allele frequency attached by ClinVar (database versions not stated): gnomAD exomes below 0.00001.
gnomAD v4.1: 1 of 1,208,418 alleles (0.000083%); highest among the groups gnomAD compares: Non-Finnish European, 0.00011%; no homozygotes.

Submission:

MVZ Medizinische Genetik Mainz
Classification: Uncertain significance for Bartter disease type 5. Last evaluated: 2022-06-02. Review status: criteria provided, single submitter. Criteria: UK Practice Guidelines For Variant Classification V4 01 2020. Collection method: clinical testing. Allele origin: germline. Inheritance: X-linked dominant inheritance. Affected: yes. Observed: 1 variant allele.
Comment: PM1_SUP, PM2_SUP, BP4

NM_177433.3(MAGED2):c.968G>A (p.Arg323Gln)

Gene: MAGED2 (MAGE family member D2; plus strand). Cytogenetic location: Xp11.21.
Variant type: single nucleotide variant.
Coding change: c.968G>A on transcript NM_177433.3 (MANE Select); coding-DNA position 968, G replaced by A.
Protein change: p.Arg323Gln; replaces arginine 323 with glutamine.
Molecular consequence: missense variant.
Genome position (GRCh38, 1-based): chrX:54,811,631, G>A. VCF-style: chrX-54811631-G-A. GRCh37 (hg19) VCF-style: chrX-54838064-G-A.
Other names: c.968G>A, p.Arg323Gln (NM_014599.6, NM_201222.3); short protein forms R323Q.
Identifiers: ClinVar variation 3061845 (VCV003061845.1), dbSNP rs2519305657, ClinGen allele CA413272118.